The following is an entry in ClinVar:

ClinVar aggregate classification (germline): Uncertain significance (1 of 4 stars; one submission).

Submission:

Labcorp Genetics (formerly Invitae), Labcorp
Classification: Uncertain significance. Last evaluated: 2022-06-28. Review status: criteria provided, single submitter. Criteria: Invitae Variant Classification Sherloc (09022015). Collection method: clinical testing. Allele origin: germline.
Comment: This sequence change replaces valine, which is neutral and non-polar, with isoleucine, which is neutral and non-polar, at codon 1298 of the KMT2A protein (p.Val1298Ile). This variant is not present in population databases (gnomAD no frequency). This variant has not been reported in the literature in individuals affected with KMT2A-related conditions. Advanced modeling of protein sequence and biophysical properties (such as structural, functional, and spatial information, amino acid conservation, physicochemical variation, residue mobility, and thermodynamic stability) performed at Invitae indicates that this missense variant is not expected to disrupt KMT2A protein function. In summary, the available evidence is currently insufficient to determine the role of this variant in disease. Therefore, it has been classified as a Variant of Uncertain Significance.

NM_001197104.2(KMT2A):c.3892G>A (p.Val1298Ile)

Gene: KMT2A (lysine methyltransferase 2A; plus strand). Cytogenetic location: 11q23.3.
Variant type: single nucleotide variant.
Coding change: c.3892G>A on transcript NM_001197104.2 (MANE Select); coding-DNA position 3892, G replaced by A.
Protein change: p.Val1298Ile; replaces valine 1298 with isoleucine.
Molecular consequence: missense variant.
Genome position (GRCh38, 1-based): chr11:118,481,972, G>A. VCF-style: chr11-118481972-G-A. GRCh37 (hg19) VCF-style: chr11-118352687-G-A.
Other names: c.3991G>A, p.Val1331Ile (NM_001412597.1); c.3892G>A, p.Val1298Ile (NM_005933.4); short protein forms V1298I, V1331I.
Identifiers: ClinVar variation 2011840 (VCV002011840.4), dbSNP rs782712716, ClinGen allele CA382828229.
Genomic context (GRCh38, chr11:118,481,972, plus strand): 5'-GCCCCTGGGCCTGAATCCAAACAGGCCACCACTCCAGCTTCCAGGAAGTCAAGCAAGCAG[G>A]TCTCCCAGCCAGCACTGGTCATCCCGCCTCAGCCACCTACTACAGGACCGCCAAGAAAAG-3'
Protein context (NP_001184033.1, residues 1288-1308): TPASRKSSKQ[Val1298Ile]SQPALVIPPQ